The following is an entry in ClinVar:

ClinVar aggregate classification (germline): Uncertain significance. Review status: criteria provided, single submitter (1 of 4 stars). 2 submissions from 2 submitters: Uncertain significance (1). 1 of the submissions does not count toward it. Last evaluated 2021-08-27.

Conditions:
Primary ciliary dyskinesia. Also called: Ciliary dyskinesia. Identifiers: Orphanet 244, MedGen C0008780, MONDO:0016575, HP:0012265.

Allele frequency attached by ClinVar (database versions not stated): TOPMed below 0.00001.

Submissions (2):

Labcorp Genetics (formerly Invitae), Labcorp
Classification: Uncertain significance for Primary ciliary dyskinesia. Last evaluated: 2021-08-27. Review status: criteria provided, single submitter. Criteria: Invitae Variant Classification Sherloc (09022015). Collection method: clinical testing. Allele origin: germline.
Comment: This sequence change replaces threonine with serine at codon 336 of the DNAI1 protein (p.Thr336Ser). The threonine residue is moderately conserved and there is a small physicochemical difference between threonine and serine. This variant is not present in population databases (ExAC no frequency). This variant has not been reported in the literature in individuals affected with DNAI1-related conditions. Algorithms developed to predict the effect of missense changes on protein structure and function are either unavailable or do not agree on the potential impact of this missense change (SIFT: "Tolerated"; PolyPhen-2: "Possibly Damaging"; Align-GVGD: "Class C0"). In summary, the available evidence is currently insufficient to determine the role of this variant in disease. Therefore, it has been classified as a Variant of Uncertain Significance.

Natera, Inc.
Classification: Uncertain significance for Primary ciliary dyskinesia. Last evaluated: 2021-03-01. Review status: no assertion criteria provided. Collection method: clinical testing. Allele origin: germline. Not counted in ClinVar's aggregate classification.

NM_012144.4(DNAI1):c.1006A>T (p.Thr336Ser)

Gene: DNAI1 (dynein axonemal intermediate chain 1; plus strand). Cytogenetic location: 9p13.3.
Variant type: single nucleotide variant.
Coding change: c.1006A>T on transcript NM_012144.4 (MANE Select); coding-DNA position 1006, A replaced by T.
Protein change: p.Thr336Ser; replaces threonine 336 with serine.
Molecular consequence: missense variant.
Genome position (GRCh38, 1-based): chr9:34,500,826, A>T. VCF-style: chr9-34500826-A-T. GRCh37 (hg19) VCF-style: chr9-34500824-A-T.
Other names: c.1018A>T, p.Thr340Ser (NM_001281428.2); short protein forms T336S, T340S.
Identifiers: ClinVar variation 662334 (VCV000662334.6), dbSNP rs1319380844, ClinGen allele CA373253362.